The following is an entry in ClinVar:

NM_000535.7(PMS2):c.1172A>C (p.Asp391Ala)

Gene: PMS2 (PMS1 homolog 2, mismatch repair system component; minus strand). Cytogenetic location: 7p22.1.
Variant type: single nucleotide variant.
Coding change: c.1172A>C on transcript NM_000535.7 (MANE Select); coding-DNA position 1172, A replaced by C.
Protein change: p.Asp391Ala; replaces aspartic acid 391 with alanine.
Molecular consequence: missense variant. On other transcripts: non-coding transcript variant (1).
Genome position (GRCh38, 1-based): chr7:5,987,593, T>G on the plus strand (A>C on the coding strand, the complement: PMS2 is on the minus strand). VCF-style: chr7-5987593-T-G. GRCh37 (hg19) VCF-style: chr7-6027224-T-G.
Other names: c.1016A>C, p.Asp339Ala (NM_001322006.2); c.854A>C, p.Asp285Ala (NM_001322007.2, NM_001322008.2); c.767A>C, p.Asp256Ala (NM_001322009.2, NM_001322003.2, NM_001322004.2 and 1 more transcripts); c.611A>C, p.Asp204Ala (NM_001322010.2); c.239A>C, p.Asp80Ala (NM_001322011.2, NM_001322012.2); c.599A>C, p.Asp200Ala (NM_001322013.2); c.1172A>C, p.Asp391Ala (NM_001322014.2); c.863A>C, p.Asp288Ala (NM_001322015.2); short protein forms D285A, D339A, D200A, D204A, D288A, D256A, D391A, D80A.
Identifiers: ClinVar variation 661718 (VCV000661718.8), dbSNP rs1583323776, ClinGen allele CA366742646.

ClinVar aggregate classification (germline): Uncertain significance (1 of 4 stars; one submission).

Conditions:
Hereditary nonpolyposis colorectal neoplasms. Identifiers: MedGen C0009405, MeSH D003123.

Submission:

Labcorp Genetics (formerly Invitae), Labcorp
Classification: Uncertain significance for Hereditary nonpolyposis colorectal neoplasms. Last evaluated: 2018-09-19. Review status: criteria provided, single submitter. Criteria: Invitae Variant Classification Sherloc (09022015). Collection method: clinical testing. Allele origin: germline.
Comment: In summary, the available evidence is currently insufficient to determine the role of this variant in disease. Therefore, it has been classified as a Variant of Uncertain Significance. Algorithms developed to predict the effect of missense changes on protein structure and function output the following: SIFT: "Tolerated"; PolyPhen-2: "Benign"; Align-GVGD: "Class C0". The alanine amino acid residue is found in multiple mammalian species, suggesting that this missense change does not adversely affect protein function. These predictions have not been confirmed by published functional studies and their clinical significance is uncertain. This sequence change replaces aspartic acid with alanine at codon 391 of the PMS2 protein (p.Asp391Ala). The aspartic acid residue is weakly conserved and there is a moderate physicochemical difference between aspartic acid and alanine. This variant is not present in population databases (ExAC no frequency). This variant has not been reported in the literature in individuals with PMS2-related disease.